The following is an entry in ClinVar:

NM_001370259.2(MEN1):c.213G>T (p.Pro71=)

Gene: MEN1 (menin 1; minus strand). Cytogenetic location: 11q13.1.
Variant type: single nucleotide variant.
Coding change: c.213G>T on transcript NM_001370259.2 (MANE Select); coding-DNA position 213, G replaced by T.
Protein change: p.Pro71=; no amino-acid change (proline 71 retained).
Molecular consequence: synonymous variant.
Genome position (GRCh38, 1-based): chr11:64,809,897, C>A on the plus strand (G>T on the coding strand, the complement: MEN1 is on the minus strand). VCF-style: chr11-64809897-C-A. GRCh37 (hg19) VCF-style: chr11-64577369-C-A.
Other names: c.213G>T, p.Pro71= (NM_000244.4, NM_001370251.2, NM_001370260.2 and 9 more transcripts).
Identifiers: ClinVar variation 1621960 (VCV001621960.18), dbSNP rs778154183, ClinGen allele CA475163831.
Genomic context (GRCh38, chr11:64,809,897, plus strand): 5'-GGCATAGAGGGCGGCGATGATAGACAGGTCGGCCACGGGAAAGTAGGTGAGGCCGCCAGG[C>A]GGGTCGGGGGCGGGGCTGGGCTGGAAGGTGAGCTCGGGAACGTTGGTAGGGATGACGCGG-3'
Protein context (NP_001357188.2, residues 61-81): LTFQPSPAPD[Pro71=]PGGLTYFPVA

ClinVar aggregate classification (germline): Likely benign. Review status: criteria provided, multiple submitters, no conflicts (2 of 4 stars). 3 submissions from 3 submitters: Likely benign (3). Last evaluated 2025-08-01.

Conditions:
Hereditary cancer-predisposing syndrome. Also called: Hereditary Cancer Syndrome; Neoplastic Syndromes, Hereditary; Hereditary neoplastic syndrome; Tumor predisposition. Identifiers: Orphanet 140162, MedGen C0027672, MeSH D009386, MONDO:0015356.
Multiple endocrine neoplasia, type 1 (MEN1). Also called: MEN I; WERMER SYNDROME; Endocrine adenomatosis multiple; MEN 1; MEA I. Identifiers: Orphanet 652, MedGen C0025267, MeSH D018761, MONDO:0007540, OMIM 131100.

Submissions (3):

CeGaT Center for Human Genetics Tuebingen
Classification: Likely benign. Last evaluated: 2025-08-01. Review status: criteria provided, single submitter. Criteria: CeGaT Center For Human Genetics Tuebingen Variant Classification Criteria Version 2. Collection method: clinical testing. Allele origin: germline. Affected: yes. Observed: 1 variant allele.
Comment: MEN1: PM2:Supporting, BP4, BP7

Ambry Genetics
Classification: Likely benign for Hereditary cancer-predisposing syndrome. Last evaluated: 2022-05-30. Review status: criteria provided, single submitter. Criteria: Ambry Variant Classification Scheme 2023. Collection method: clinical testing. Allele origin: germline.

Labcorp Genetics (formerly Invitae), Labcorp
Classification: Likely benign for Multiple endocrine neoplasia, type 1. Last evaluated: 2020-12-07. Review status: criteria provided, single submitter. Criteria: Invitae Variant Classification Sherloc (09022015). Collection method: clinical testing. Allele origin: germline.